The following is an entry in ClinVar:

NM_004655.4(AXIN2):c.1433A>C (p.His478Pro)

Gene: AXIN2 (axin 2; minus strand). Cytogenetic location: 17q24.1.
Variant type: single nucleotide variant.
Coding change: c.1433A>C on transcript NM_004655.4 (MANE Select); coding-DNA position 1433, A replaced by C.
Protein change: p.His478Pro; replaces histidine 478 with proline.
Molecular consequence: missense variant.
Genome position (GRCh38, 1-based): chr17:65,537,603, T>G on the plus strand (A>C on the coding strand, the complement: AXIN2 is on the minus strand). VCF-style: chr17-65537603-T-G. GRCh37 (hg19) VCF-style: chr17-63533721-T-G.
Other names: c.1433A>C, p.His478Pro (NM_001363813.1); short protein forms H478P.
Identifiers: ClinVar variation 2451644 (VCV002451644.2), dbSNP rs1405985775, ClinGen allele CA400677507.

ClinVar aggregate classification (germline): Uncertain significance (1 of 4 stars; one submission).

Conditions:
Hereditary cancer-predisposing syndrome. Also called: Neoplastic Syndromes, Hereditary; Tumor predisposition; Hereditary neoplastic syndrome; Hereditary Cancer Syndrome. Identifiers: Orphanet 140162, MedGen C0027672, MeSH D009386, MONDO:0015356.

Submission:

Ambry Genetics
Classification: Uncertain significance for Hereditary cancer-predisposing syndrome. Last evaluated: 2022-11-30. Review status: criteria provided, single submitter. Criteria: Ambry Variant Classification Scheme 2023. Collection method: clinical testing. Allele origin: germline.
Comment: The p.H478P variant (also known as c.1433A>C), located in coding exon 5 of the AXIN2 gene, results from an A to C substitution at nucleotide position 1433. The histidine at codon 478 is replaced by proline, an amino acid with similar properties. This amino acid position is conserved. In addition, this alteration is predicted to be tolerated by in silico analysis. Since supporting evidence is limited at this time, the clinical significance of this alteration remains unclear.